The following is an entry in ClinVar:

NM_001348716.2(KDM6B):c.463C>T (p.Leu155Phe)

Gene: KDM6B (lysine demethylase 6B; plus strand). Cytogenetic location: 17p13.1.
Variant type: single nucleotide variant.
Coding change: c.463C>T on transcript NM_001348716.2 (MANE Select); coding-DNA position 463, C replaced by T.
Protein change: p.Leu155Phe; replaces leucine 155 with phenylalanine.
Molecular consequence: missense variant.
Genome position (GRCh38, 1-based): chr17:7,846,406, C>T. VCF-style: chr17-7846406-C-T. GRCh37 (hg19) VCF-style: chr17-7749724-C-T.
Other names: c.463C>T, p.Leu155Phe (NM_001080424.2); short protein forms L155F.
Identifiers: ClinVar variation 2572682 (VCV002572682.1), dbSNP rs1188279699, ClinGen allele CA397912406.

ClinVar aggregate classification (germline): Uncertain significance (1 of 4 stars; one submission).

Submission:

GeneDx
Classification: Uncertain significance. Last evaluated: 2023-01-11. Review status: criteria provided, single submitter. Criteria: GeneDx Variant Classification Process June 2021. Collection method: clinical testing. Allele origin: germline. Affected: yes.
Comment: Not observed at significant frequency in large population cohorts (gnomAD); In silico analysis supports that this missense variant does not alter protein structure/function; Has not been previously published as pathogenic or benign to our knowledge